The following is an entry in ClinVar:

NM_001164508.2(NEB):c.61G>A (p.Glu21Lys)

Gene: NEB (nebulin; minus strand). Cytogenetic location: 2q23.3.
Variant type: single nucleotide variant.
Coding change: c.61G>A on transcript NM_001164508.2 (MANE Select); coding-DNA position 61, G replaced by A.
Protein change: p.Glu21Lys; replaces glutamic acid 21 with lysine.
Molecular consequence: missense variant.
Genome position (GRCh38, 1-based): chr2:151,729,632, C>T on the plus strand (G>A on the coding strand, the complement: NEB is on the minus strand). VCF-style: chr2-151729632-C-T. GRCh37 (hg19) VCF-style: chr2-152586146-C-T.
Other names: p.Glu21Lys; c.61G>A, p.Glu21Lys (NM_001271208.2, NM_004543.5, NM_001164507.2); short protein forms E21K.
Identifiers: ClinVar variation 449550 (VCV000449550.22), dbSNP rs199907781, ClinGen allele CA1912016.

ClinVar aggregate classification (germline): Conflicting classifications of pathogenicity. Review status: criteria provided, conflicting classifications (1 of 4 stars). 8 submissions from 8 submitters: Uncertain significance (6); Likely benign (1). 1 of the submissions does not count toward it. Last evaluated 2025-12-21.

Conditions:
Nemaline myopathy 2 (NEM2). Also called: Nemaline myopathy 2, autosomal recessive. Identifiers: MedGen C1850569, MONDO:0009725, OMIM 256030.

Allele frequency attached by ClinVar (database versions not stated): ExAC 0.00007; gnomAD exomes 0.00007 and 0.00023; ESP Exome Variant Server 0.00008; gnomAD 0.00013; TOPMed 0.00019.
gnomAD v4.1: 350 of 1,613,162 alleles (0.022%); highest among the groups gnomAD compares: Non-Finnish European, 0.028%; no homozygotes.

Submissions (8):

Labcorp Genetics (formerly Invitae), Labcorp
Classification: Likely benign for Nemaline myopathy 2. Last evaluated: 2025-12-21. Review status: criteria provided, single submitter. Criteria: Invitae Variant Classification Sherloc (09022015). Collection method: clinical testing. Allele origin: germline.

Mayo Clinic Laboratories, Mayo Clinic
Classification: Uncertain significance. Last evaluated: 2025-10-24. Review status: criteria provided, single submitter. Criteria: ACMG Guidelines, 2015. Collection method: clinical testing. Allele origin: germline. Observed: 1 variant allele.
Comment: PM2_supporting

GeneDx
Classification: Uncertain significance. Last evaluated: 2025-10-14. Review status: criteria provided, single submitter. Criteria: GeneDx Variant Classification Process June 2021. Collection method: clinical testing. Allele origin: germline. Affected: yes.
Comment: In silico analysis supports that this missense variant does not alter protein structure/function; In silico analysis is inconclusive as to whether the variant alters gene splicing. In the absence of RNA/functional studies, the actual effect of this sequence change is unknown; Has not been previously published as pathogenic or benign to our knowledge

Blueprint Genetics
Classification: Uncertain significance. Last evaluated: 2023-08-25. Review status: criteria provided, single submitter. Criteria: ACMG Guidelines, 2015. Collection method: clinical testing. Allele origin: germline.

Revvity Omics, Revvity
Classification: Uncertain significance. Last evaluated: 2023-08-15. Review status: criteria provided, single submitter. Criteria: ACMG Guidelines, 2015. Collection method: clinical testing. Allele origin: germline.

HudsonAlpha Institute for Biotechnology
Classification: Uncertain significance for Nemaline myopathy 2. Last evaluated: 2019-03-15. Review status: criteria provided, single submitter. Criteria: ACMG Guidelines, 2015. Collection method: research. Allele origin: unknown. Observed: 1 variant allele. Study: HudsonAlpha-AGHI-WGS.

Eurofins Ntd Llc (ga)
Classification: Uncertain significance. Last evaluated: 2018-06-13. Review status: criteria provided, single submitter. Criteria: EGL ClinVar v180209 classification definitions. Collection method: clinical testing. Allele origin: germline. Observed: 1 variant allele, 1 heterozygote.

Natera, Inc.
Classification: Uncertain significance for Nemaline myopathy type 2. Last evaluated: 2020-01-17. Review status: no assertion criteria provided. Collection method: clinical testing. Allele origin: germline. Not counted in ClinVar's aggregate classification.